The following is an entry in ClinVar:

ClinVar aggregate classification (germline): Likely benign. Review status: criteria provided, multiple submitters, no conflicts (2 of 4 stars). 2 submissions from 2 submitters: Likely benign (2). Last evaluated 2026-06-01.

Allele frequency attached by ClinVar (database versions not stated): 1000 Genomes Project 30x 0.00016; ExAC 0.00062; TOPMed 0.00071; ESP Exome Variant Server 0.00077; gnomAD 0.00077; gnomAD exomes 0.00081.
gnomAD v4.1: 1,301 of 1,613,804 alleles (0.081%); highest among the groups gnomAD compares: Non-Finnish European, 0.1%; 1 homozygote.

Submissions (2):

CeGaT Center for Human Genetics Tuebingen
Classification: Likely benign. Last evaluated: 2026-06-01. Review status: criteria provided, single submitter. Criteria: CeGaT Center For Human Genetics Tuebingen Variant Classification Criteria Version 2. Collection method: clinical testing. Allele origin: germline. Affected: yes. Observed: 5 variant alleles.
Comment: FLG: BP4, BP7

Blueprint Genetics
Classification: Likely benign. Last evaluated: 2024-11-12. Review status: criteria provided, single submitter. Criteria: ACMG Guidelines, 2015. Collection method: clinical testing. Allele origin: germline.

NM_002016.2(FLG):c.1737C>T (p.Asp579=)

Genes: CCDST (cervical cancer associated DHX9 suppressive transcript; plus strand), FLG (filaggrin; minus strand). Cytogenetic location: 1q21.3.
Variant type: single nucleotide variant.
Coding change: c.1737C>T on transcript NM_002016.2 (MANE Select); coding-DNA position 1737, C replaced by T.
Protein change: p.Asp579=; no amino-acid change (aspartic acid 579 retained).
Molecular consequence: synonymous variant.
Genome position (GRCh38, 1-based): chr1:152,313,149, G>A on the plus strand (C>T on the coding strand, the complement: FLG is on the minus strand). VCF-style: chr1-152313149-G-A. GRCh37 (hg19) VCF-style: chr1-152285625-G-A.
Identifiers: ClinVar variation 2639315 (VCV002639315.25), dbSNP rs145104949, ClinGen allele CA1107499.